The following is an entry in ClinVar:

NM_005263.5(GFI1):c.820G>T (p.Val274Leu)

Gene: GFI1 (growth factor independent 1 transcriptional repressor; minus strand). Cytogenetic location: 1p22.1.
Variant type: single nucleotide variant.
Coding change: c.820G>T on transcript NM_005263.5 (MANE Select); coding-DNA position 820, G replaced by T.
Protein change: p.Val274Leu; replaces valine 274 with leucine.
Molecular consequence: missense variant.
Genome position (GRCh38, 1-based): chr1:92,480,452, C>A on the plus strand (G>T on the coding strand, the complement: GFI1 is on the minus strand). VCF-style: chr1-92480452-C-A. GRCh37 (hg19) VCF-style: chr1-92946009-C-A.
Other names: c.820G>T, p.Val274Leu (NM_001127215.3, NM_001127216.3); short protein forms V274L.
Identifiers: ClinVar variation 3853697 (VCV003853697.1).

ClinVar aggregate classification (germline): Uncertain significance (1 of 4 stars; one submission).

Submission:

Ambry Genetics
Classification: Uncertain significance. Last evaluated: 2025-01-25. Review status: criteria provided, single submitter. Criteria: Ambry Variant Classification Scheme 2023. Collection method: clinical testing. Allele origin: germline.
Comment: The p.V274L variant (also known as c.820G>T), located in coding exon 4 of the GFI1 gene, results from a G to T substitution at nucleotide position 820. The valine at codon 274 is replaced by leucine, an amino acid with highly similar properties. This amino acid position is conserved. In addition, this alteration is predicted to be tolerated by in silico analysis. Based on the available evidence, the clinical significance of this variant remains unclear.